The following is an entry in ClinVar:

ClinVar aggregate classification (germline): Uncertain significance. Review status: criteria provided, multiple submitters, no conflicts (2 of 4 stars). 2 submissions from 2 submitters: Uncertain significance (2). Last evaluated 2025-12-29.

Conditions:
Ataxia-telangiectasia syndrome (AT). Also called: Ataxia-telangiectasia, complementation group D; AT, COMPLEMENTATION GROUP C; ATAXIA-TELANGIECTASIA, COMPLEMENTATION GROUP A; ATAXIA-TELANGIECTASIA, FRESNO VARIANT; Ataxia-telangiectasia; Cerebello-oculocutaneous telangiectasia. Identifiers: Orphanet 100, MedGen C0004135, MONDO:0008840, OMIM 208900.

Submissions (2):

Center for Genomic Medicine, Rigshospitalet, Copenhagen University Hospital
Classification: Uncertain significance. Last evaluated: 2025-12-29. Review status: criteria provided, single submitter. Criteria: ACMG Guidelines, 2015. Collection method: clinical testing. Allele origin: germline.

Labcorp Genetics (formerly Invitae), Labcorp
Classification: Uncertain significance for Ataxia-telangiectasia syndrome. Last evaluated: 2021-10-15. Review status: criteria provided, single submitter. Criteria: Invitae Variant Classification Sherloc (09022015). Collection method: clinical testing. Allele origin: germline.
Comment: In summary, the available evidence is currently insufficient to determine the role of this variant in disease. Therefore, it has been classified as a Variant of Uncertain Significance. Advanced modeling of protein sequence and biophysical properties (such as structural, functional, and spatial information, amino acid conservation, physicochemical variation, residue mobility, and thermodynamic stability) performed at Invitae indicates that this missense variant is not expected to disrupt ATM protein function. This variant has not been reported in the literature in individuals affected with ATM-related conditions. This variant is not present in population databases (ExAC no frequency). This sequence change replaces tyrosine with asparagine at codon 175 of the ATM protein (p.Tyr175Asn). The tyrosine residue is moderately conserved and there is a large physicochemical difference between tyrosine and asparagine.

NM_000051.4(ATM):c.523T>A (p.Tyr175Asn)

Gene: ATM (ATM serine/threonine kinase; plus strand). Cytogenetic location: 11q22.3.
Variant type: single nucleotide variant.
Coding change: c.523T>A on transcript NM_000051.4 (MANE Select); coding-DNA position 523, T replaced by A.
Protein change: p.Tyr175Asn; replaces tyrosine 175 with asparagine.
Molecular consequence: missense variant.
Genome position (GRCh38, 1-based): chr11:108,243,979, T>A. VCF-style: chr11-108243979-T-A. GRCh37 (hg19) VCF-style: chr11-108114706-T-A.
Other names: c.523T>A, p.Tyr175Asn (NM_001351834.2); short protein forms Y175N.
Identifiers: ClinVar variation 1008411 (VCV001008411.7), dbSNP rs2079697425, ClinGen allele CA382527551.
Genomic context (GRCh38, chr11:108,243,979, plus strand): 5'-AAATCATGACTAATAATTTTTTTTTTTTTTTAAGAATTGTTCTCTGTGTACTTCAGGCTC[T>A]ATCTGAAACCTTCACAAGATGTTCATAGAGTTTTAGTGGCTAGAATAATTCATGCTGTTA-3'
Protein context (NP_000042.3, residues 165-185): LELFSVYFRL[Tyr175Asn]LKPSQDVHRV